The following is an entry in ClinVar:

ClinVar aggregate classification (germline): Benign/Likely benign. Review status: criteria provided, multiple submitters, no conflicts (2 of 4 stars). 3 submissions from 3 submitters: Benign (1); Likely benign (2). Last evaluated 2025-10-23.

Allele frequency attached by ClinVar (database versions not stated): gnomAD 0.00708 and 0.00839; TOPMed 0.00731; ExAC 0.01386; gnomAD exomes 0.01441; 1000 Genomes Project 30x 0.02295; 1000 Genomes Project 0.02376.
gnomAD v4.1: 12,311 of 1,609,538 alleles (0.76%); highest among the groups gnomAD compares: East Asian, 11%; 371 homozygotes.

Submissions (3):

Athena Diagnostics
Classification: Likely benign. Last evaluated: 2025-10-23. Review status: criteria provided, single submitter. Criteria: Athena Diagnostics Criteria. Collection method: clinical testing. Allele origin: unknown.
Comment: Computational tools yielded predictions that this variant is unlikely to have an effect on normal RNA splicing. This nucleotide position exhibits low evolutionary conservation. This variant has been seen where an alternate explanation for disease was also identified.

Blueprint Genetics
Classification: Likely benign. Last evaluated: 2024-11-26. Review status: criteria provided, single submitter. Criteria: ACMG Guidelines, 2015. Collection method: clinical testing. Allele origin: germline.

PreventionGenetics, part of Exact Sciences
Classification: Benign. Review status: criteria provided, single submitter. Criteria: ACMG Guidelines, 2015. Collection method: clinical testing. Allele origin: germline.

Literature cited by the submitters: PubMed 29035424 (cited by Athena Diagnostics); PubMed 24312389 (cited by Athena Diagnostics); PubMed 40640193 (cited by Athena Diagnostics); PubMed 20970527 (cited by Athena Diagnostics); PubMed 19856253 (cited by Athena Diagnostics).

NM_000500.9(CYP21A2):c.939+11G>C

Genes: CYP21A2 (cytochrome P450 family 21 subfamily A member 2; plus strand), LOC106780800 (CYP21A2 recombination region; plus strand). Cytogenetic location: 6p21.33.
Variant type: single nucleotide variant.
Coding change: c.939+11G>C on transcript NM_000500.9 (MANE Select); 11 bases into the intron after coding-DNA position 939, G replaced by C.
Molecular consequence: intron variant.
Genome position (GRCh38, 1-based): chr6:32,040,216, G>C. VCF-style: chr6-32040216-G-C. GRCh37 (hg19) VCF-style: chr6-32007993-G-C.
Other names: c.534+11G>C (NM_001368143.2, NM_001368144.2); c.849+11G>C (NM_001128590.4).
Identifiers: ClinVar variation 256303 (VCV000256303.5), dbSNP rs6442, ClinGen allele CA3732577.
Genomic context (GRCh38, chr6:32,040,216, plus strand): 5'-CAGCAAACACCCTCTCCTGGGCCGTGGTTTTTTTGCTTCACCACCCTGAGGTGCGTCCTG[G>C]GGACAAGCAAAAGGCTCCTTCCCAGCAACCTGGCCAGGGCGGTGGGCACCCTCACTCAGC-3'